The following is an entry in ClinVar:

ClinVar aggregate classification (germline): Uncertain significance. Review status: criteria provided, multiple submitters, no conflicts (2 of 4 stars). 2 submissions from 2 submitters: Uncertain significance (2). Last evaluated 2022-04-19.

Conditions:
Hereditary cancer-predisposing syndrome. Also called: Neoplastic Syndromes, Hereditary; Tumor predisposition; Hereditary neoplastic syndrome; Hereditary Cancer Syndrome. Identifiers: Orphanet 140162, MedGen C0027672, MeSH D009386, MONDO:0015356.
Parathyroid carcinoma (PRTC). Also called: CDC73-Related Parathyroid Carcinoma; Parathyroid gland carcinoma. Identifiers: Orphanet 143, MedGen C0687150, MONDO:0012004, OMIM 608266, HP:0006780.

Submissions (2):

Ambry Genetics
Classification: Uncertain significance for Hereditary cancer-predisposing syndrome. Last evaluated: 2022-04-19. Review status: criteria provided, single submitter. Criteria: Ambry Variant Classification Scheme 2023. Collection method: clinical testing. Allele origin: germline.
Comment: The p.K491I variant (also known as c.1472A>T), located in coding exon 16 of the CDC73 gene, results from an A to T substitution at nucleotide position 1472. The lysine at codon 491 is replaced by isoleucine, an amino acid with dissimilar properties. This amino acid position is conserved. In addition, the in silico prediction for this alteration is inconclusive. Since supporting evidence is limited at this time, the clinical significance of this alteration remains unclear.

Labcorp Genetics (formerly Invitae), Labcorp
Classification: Uncertain significance for Parathyroid carcinoma. Last evaluated: 2021-08-14. Review status: criteria provided, single submitter. Criteria: Invitae Variant Classification Sherloc (09022015). Collection method: clinical testing. Allele origin: germline.
Comment: In summary, the available evidence is currently insufficient to determine the role of this variant in disease. Therefore, it has been classified as a Variant of Uncertain Significance. Algorithms developed to predict the effect of missense changes on protein structure and function are either unavailable or do not agree on the potential impact of this missense change (SIFT: "Deleterious"; PolyPhen-2: "Probably Damaging"; Align-GVGD: "Class C0"). This variant has not been reported in the literature in individuals affected with CDC73-related conditions. This variant is not present in population databases (ExAC no frequency). This sequence change replaces lysine with isoleucine at codon 491 of the CDC73 protein (p.Lys491Ile). The lysine residue is moderately conserved and there is a moderate physicochemical difference between lysine and isoleucine.

NM_024529.5(CDC73):c.1472A>T (p.Lys491Ile)

Gene: CDC73 (cell division cycle 73; plus strand). Cytogenetic location: 1q31.2.
Variant type: single nucleotide variant.
Coding change: c.1472A>T on transcript NM_024529.5 (MANE Select); coding-DNA position 1472, A replaced by T.
Protein change: p.Lys491Ile; replaces lysine 491 with isoleucine.
Molecular consequence: missense variant.
Genome position (GRCh38, 1-based): chr1:193,249,784, A>T. VCF-style: chr1-193249784-A-T. GRCh37 (hg19) VCF-style: chr1-193218914-A-T.
Other names: short protein forms K491I.
Identifiers: ClinVar variation 1365491 (VCV001365491.9), dbSNP rs2102073388, ClinGen allele CA344078457.
Genomic context (GRCh38, chr1:193,249,784, plus strand): 5'-CTATAGTTAAAGCCTTCCATCTGAAGTATGATGAAGTTCGTCTGGATCCAAATGTTCAGA[A>T]ATGGGATGTAACAGTATTAGAACTCAGCTATCACAAACGTCATTTGGATAGACCAGTGTT-3'
Protein context (NP_078805.3, residues 481-501): DEVRLDPNVQ[Lys491Ile]WDVTVLELSY